The following is an entry in ClinVar:

NM_002691.4(POLD1):c.1384-13C>G

Gene: POLD1 (DNA polymerase delta 1, catalytic subunit; plus strand). Cytogenetic location: 19q13.33.
Variant type: single nucleotide variant.
Coding change: c.1384-13C>G on transcript NM_002691.4 (MANE Select); 13 bases into the intron before coding-DNA position 1384, C replaced by G.
Molecular consequence: intron variant.
Genome position (GRCh38, 1-based): chr19:50,406,394, C>G. VCF-style: chr19-50406394-C-G. GRCh37 (hg19) VCF-style: chr19-50909651-C-G.
Other names: c.1384-13C>G (LRG_785t1, LRG_785t2, NM_001256849.1 and 2 more transcripts).
Identifiers: ClinVar variation 420229 (VCV000420229.16), dbSNP rs536467012, ClinGen allele CA9596132.

ClinVar aggregate classification (germline): Conflicting classifications of pathogenicity. Review status: criteria provided, conflicting classifications (1 of 4 stars). 8 submissions from 8 submitters: Uncertain significance (3); Benign (2); Likely benign (2). 1 of the submissions does not count toward it. Last evaluated 2026-02-04.

Conditions:
POLD1-related polyposis and colorectal cancer syndrome (CRCS10). Also called: Colorectal cancer 10; COLORECTAL CANCER, SUSCEPTIBILITY TO, ON CHROMOSOME 19q; Colorectal cancer, susceptibility to, 10. Identifiers: Orphanet 220460, MedGen C2675481, MONDO:0012953, OMIM 612591.
Hereditary cancer-predisposing syndrome. Also called: Neoplastic Syndromes, Hereditary; Hereditary neoplastic syndrome; Tumor predisposition; Hereditary Cancer Syndrome. Identifiers: Orphanet 140162, MedGen C0027672, MeSH D009386, MONDO:0015356.

Allele frequency attached by ClinVar (database versions not stated): gnomAD below 0.00001 and 0.00009; TOPMed 0.00002; 1000 Genomes Project 30x 0.00031; 1000 Genomes Project 0.00040; gnomAD exomes 0.00040; ExAC 0.00065.
gnomAD v4.1: 227 of 1,606,896 alleles (0.014%); highest among the groups gnomAD compares: South Asian, 0.23%; 1 homozygote.

Submissions (8):

Labcorp Genetics (formerly Invitae), Labcorp
Classification: Benign for POLD1-related polyposis and colorectal cancer syndrome. Last evaluated: 2026-02-04. Review status: criteria provided, single submitter. Criteria: Invitae Variant Classification Sherloc (09022015). Collection method: clinical testing. Allele origin: germline.

Center for Genomic Medicine, Rigshospitalet, Copenhagen University Hospital
Classification: Uncertain significance. Last evaluated: 2025-03-04. Review status: criteria provided, single submitter. Criteria: ACMG Guidelines, 2015. Collection method: clinical testing. Allele origin: germline.

Blueprint Genetics
Classification: Likely benign. Last evaluated: 2024-07-02. Review status: criteria provided, single submitter. Criteria: ACMG Guidelines, 2015. Collection method: clinical testing. Allele origin: germline.

Myriad Genetics, Inc.
Classification: Uncertain significance for POLD1-related polyposis and colorectal cancer syndrome. Last evaluated: 2023-04-19. Review status: criteria provided, single submitter. Criteria: Myriad Autosomal Dominant, Autosomal Recessive and X-Linked Classification Criteria (2023). Collection method: clinical testing. Allele origin: unknown.
Comment: This variant is classified as a variant of uncertain significance as there is insufficient evidence to determine its impact on protein function and/or cancer risk.

GeneDx
Classification: Likely benign. Last evaluated: 2021-05-12. Review status: criteria provided, single submitter. Criteria: GeneDx Variant Classification Process June 2021. Collection method: clinical testing. Allele origin: germline. Affected: yes.

Sema4
Classification: Benign for Hereditary cancer-predisposing syndrome. Last evaluated: 2020-12-31. Review status: criteria provided, single submitter. Criteria: Sema4 Curation Guidelines. Collection method: curation. Allele origin: germline.

Ambry Genetics
Classification: Uncertain significance for Hereditary cancer-predisposing syndrome. Last evaluated: 2016-10-05. Review status: criteria provided, single submitter. Criteria: Ambry Variant Classification Scheme 2023. Collection method: clinical testing. Allele origin: germline.
Comment: The c.1384-13C>G intronic alteration consists of a C to G substitution 13 nucleotides before coding exon 11 in the POLD1 gene. Based on insufficient or conflicting evidence, the clinical significance of this alteration remains unclear.

Counsyl
Classification: Likely benign for POLD1-related polyposis and colorectal cancer syndrome. Last evaluated: 2017-11-24. Review status: no assertion criteria provided. Collection method: clinical testing. Allele origin: unknown. Not counted in ClinVar's aggregate classification.